The following is an entry in ClinVar:

NM_005159.5(ACTC1):c.27C>T (p.Ala9=)

Genes: GJD2-DT (GJD2 divergent transcript; plus strand), ACTC1 (actin alpha cardiac muscle 1; minus strand). Cytogenetic location: 15q14.
Variant type: single nucleotide variant.
Coding change: c.27C>T on transcript NM_005159.5 (MANE Select); coding-DNA position 27, C replaced by T.
Protein change: p.Ala9=; no amino-acid change (alanine 9 retained).
Molecular consequence: synonymous variant.
Genome position (GRCh38, 1-based): chr15:34,794,782, G>A on the plus strand (C>T on the coding strand, the complement: ACTC1 is on the minus strand). VCF-style: chr15-34794782-G-A. GRCh37 (hg19) VCF-style: chr15-35086983-G-A.
Identifiers: ClinVar variation 923965 (VCV000923965.8), dbSNP rs1595762043, ClinGen allele CA489421077.
Genomic context (GRCh38, chr15:34,794,782, plus strand): 5'-GGGCGCGTCATCGCCCGCAAAGCCGGCCTTCACCAGCCCAGAGCCGTTGTCGCACACCAG[G>A]GCGGTGGTCTCCTCGTCGTCACACATCTTGGCACAGCTTCAGGGGGTTCTGCAGGTTGAG-3'
Protein context (NP_005150.1, residues 1-19): MCDDEETT[Ala9=]LVCDNGSGLV

ClinVar aggregate classification (germline): Likely benign. Review status: criteria provided, multiple submitters, no conflicts (2 of 4 stars). 5 submissions from 5 submitters: Likely benign (5). Last evaluated 2025-06-28.

Conditions:
Cardiomyopathy (CMYO). Also called: Cardiomyopathies. Identifiers: Orphanet 167848, MedGen C0878544, MONDO:0004994, HP:0001638. Inheritance: Various modes of inheritance.
Cardiovascular phenotype. Identifiers: MedGen CN230736.
Atrial septal defect 5 (ASD5). Identifiers: Orphanet 1478, MedGen C2748552, MONDO:0013011, OMIM 612794.
Hypertrophic cardiomyopathy 11. Also called: ACTC1-Related Familial Hypertrophic Cardiomyopathy. Identifiers: MedGen C2677506, MONDO:0012799, OMIM 612098.
Dilated cardiomyopathy 1R (CMD1R). Identifiers: Orphanet 154, Orphanet 54260, MedGen C3150681, MONDO:0013261, OMIM 613424.
Hypertrophic cardiomyopathy. Also called: HYPERTROPHIC MYOCARDIOPATHY. Identifiers: Orphanet 217569, MedGen C0007194, MeSH D002312, MONDO:0005045, HP:0001639.

Allele frequency attached by ClinVar (database versions not stated): TOPMed below 0.00001; gnomAD exomes 0.00001.
gnomAD v4.1: 3 of 1,613,658 alleles (0.00019%); highest among the groups gnomAD compares: Non-Finnish European, 0.00025%; no homozygotes.

Submissions (5):

Ambry Genetics
Classification: Likely benign for Cardiovascular phenotype. Last evaluated: 2025-06-28. Review status: criteria provided, single submitter. Criteria: Ambry Variant Classification Scheme 2023. Collection method: clinical testing. Allele origin: germline.

All of Us Research Program, National Institutes of Health
Classification: Likely benign for Hypertrophic cardiomyopathy. Last evaluated: 2023-08-15. Review status: criteria provided, single submitter. Criteria: ACMG Guidelines, 2015. Collection method: clinical testing. Allele origin: germline. Inheritance: Autosomal dominant inheritance. Observed: 3 variant alleles, 3 heterozygotes.
Comment: This study involves interpretation of variants in research participants for the purpose of population health screening. Participant phenotype was not available at the time of variant classification. Additional details can be found in publication PMID: 35346344, PMCID: PMC8962531

Labcorp Genetics (formerly Invitae), Labcorp
Classification: Likely benign for Dilated cardiomyopathy 1R; Hypertrophic cardiomyopathy 11; Atrial septal defect 5. Last evaluated: 2023-05-18. Review status: criteria provided, single submitter. Criteria: Invitae Variant Classification Sherloc (09022015). Collection method: clinical testing. Allele origin: germline.

Color Diagnostics, LLC DBA Color Health
Classification: Likely benign for Cardiomyopathy. Last evaluated: 2019-03-11. Review status: criteria provided, single submitter. Criteria: ACMG Guidelines, 2015. Collection method: clinical testing. Allele origin: germline.

Breakthrough Genomics
Classification: Likely benign. Review status: criteria provided, single submitter. Criteria: ACMG Guidelines, 2015. Collection method: not provided. Allele origin: germline. Inheritance: Autosomal dominant inheritance. Affected: yes.